The following is an entry in ClinVar:

ClinVar aggregate classification (germline): Conflicting classifications of pathogenicity. Review status: criteria provided, conflicting classifications (1 of 4 stars). 5 submissions from 5 submitters: Uncertain significance (2); Likely benign (2). 1 of the submissions does not count toward it. Last evaluated 2026-01-12.

Conditions:
Inborn genetic diseases. Identifiers: MedGen C0950123, MeSH D030342.
SPEG-related disorder. Also called: SPEG-related condition.

Allele frequency attached by ClinVar (database versions not stated): ExAC 0.00046; 1000 Genomes Project 0.00100; 1000 Genomes Project 30x 0.00125; ESP Exome Variant Server 0.00152; gnomAD 0.00157 and 0.00172; TOPMed 0.00173.
gnomAD v4.1: 444 of 1,613,582 alleles (0.028%); highest among the groups gnomAD compares: African/African-American, 0.53%; 2 homozygotes.

Submissions (5):

Labcorp Genetics (formerly Invitae), Labcorp
Classification: Likely benign. Last evaluated: 2026-01-12. Review status: criteria provided, single submitter. Criteria: Invitae Variant Classification Sherloc (09022015). Collection method: clinical testing. Allele origin: germline.

Ambry Genetics
Classification: Uncertain significance for Inborn genetic diseases. Last evaluated: 2025-08-02. Review status: criteria provided, single submitter. Criteria: Ambry Variant Classification Scheme 2023. Collection method: clinical testing. Allele origin: germline.

Blueprint Genetics
Classification: Likely benign. Last evaluated: 2024-06-11. Review status: criteria provided, single submitter. Criteria: ACMG Guidelines, 2015. Collection method: clinical testing. Allele origin: germline.

Mayo Clinic Laboratories, Mayo Clinic
Classification: Uncertain significance. Last evaluated: 2021-08-16. Review status: criteria provided, single submitter. Criteria: ACMG Guidelines, 2015. Collection method: clinical testing. Allele origin: germline.

PreventionGenetics, part of Exact Sciences
Classification: Likely benign for SPEG-related condition. Last evaluated: 2019-11-11. Review status: no assertion criteria provided. Collection method: clinical testing. Allele origin: germline. Not counted in ClinVar's aggregate classification.
Comment: This variant is classified as likely benign based on ACMG/AMP sequence variant interpretation guidelines (Richards et al. 2015 PMID: 25741868, with internal and published modifications).

NM_005876.5(SPEG):c.3998C>T (p.Thr1333Met)

Gene: SPEG (striated muscle enriched protein kinase; plus strand). Cytogenetic location: 2q35.
Variant type: single nucleotide variant.
Coding change: c.3998C>T on transcript NM_005876.5 (MANE Select); coding-DNA position 3998, C replaced by T.
Protein change: p.Thr1333Met; replaces threonine 1333 with methionine.
Molecular consequence: missense variant.
Genome position (GRCh38, 1-based): chr2:219,472,947, C>T. VCF-style: chr2-219472947-C-T. GRCh37 (hg19) VCF-style: chr2-220337669-C-T.
Other names: p.Thr1333Met; short protein forms T1333M.
Identifiers: ClinVar variation 1649936 (VCV001649936.16), dbSNP rs76811720, ClinGen allele CA2126370.